The following is an entry in ClinVar:

ClinVar aggregate classification (germline): Benign/Likely benign. Review status: criteria provided, multiple submitters, no conflicts (2 of 4 stars). 9 submissions from 9 submitters: Benign (8); Likely benign (1). Last evaluated 2026-02-04.

Conditions:
Primary ciliary dyskinesia. Also called: Ciliary dyskinesia. Identifiers: Orphanet 244, MedGen C0008780, MONDO:0016575, HP:0012265.
Primary ciliary dyskinesia 13. Also called: CILIARY DYSKINESIA, PRIMARY, 13, WITH OR WITHOUT SITUS INVERSUS. Identifiers: Orphanet 244, MedGen C2750790, MONDO:0013174, OMIM 613193.

Allele frequency attached by ClinVar (database versions not stated): 1000 Genomes Project 30x 0.26327; 1000 Genomes Project 0.26737; ESP Exome Variant Server 0.26900; gnomAD 0.28412 and 0.28666; TOPMed 0.28699; ExAC 0.33684; gnomAD exomes 0.34469 and 0.35277.
gnomAD v4.1: 557,878 of 1,613,468 alleles (35%); highest among the groups gnomAD compares: Admixed American, 45%; 99,929 homozygotes.

Submissions (9):

Labcorp Genetics (formerly Invitae), Labcorp
Classification: Benign for Primary ciliary dyskinesia. Last evaluated: 2026-02-04. Review status: criteria provided, single submitter. Criteria: Invitae Variant Classification Sherloc (09022015). Collection method: clinical testing. Allele origin: germline.

Blueprint Genetics
Classification: Likely benign. Last evaluated: 2024-11-27. Review status: criteria provided, single submitter. Criteria: ACMG Guidelines, 2015. Collection method: clinical testing. Allele origin: germline.

Mayo Clinic Laboratories, Mayo Clinic
Classification: Benign. Last evaluated: 2022-04-26. Review status: criteria provided, single submitter. Criteria: ACMG Guidelines, 2015. Collection method: clinical testing. Allele origin: germline. Observed: 128 variant alleles.

GeneDx
Classification: Benign. Last evaluated: 2018-11-10. Review status: criteria provided, single submitter. Criteria: GeneDx Variant Classification Process June 2021. Collection method: clinical testing. Allele origin: germline. Affected: yes.

Illumina Laboratory Services, Illumina
Classification: Benign for Primary ciliary dyskinesia 13. Last evaluated: 2018-01-13. Review status: criteria provided, single submitter. Criteria: ICSL Variant Classification Criteria 13 December 2019. Collection method: clinical testing. Allele origin: germline.
Comment: This variant was observed in the ICSL laboratory as part of a predisposition screen in an ostensibly healthy population. It had not been previously curated by ICSL or reported in the Human Gene Mutation Database (HGMD: prior to June 1st, 2018), and was therefore a candidate for classification through an automated scoring system. Utilizing variant allele frequency, disease prevalence and penetrance estimates, and inheritance mode, an automated score was calculated to assess if this variant is too frequent to cause the disease. Based on the score and internal cut-off values, a variant classified as benign is not then subjected to further curation. The score for this variant resulted in a classification of benign for this disease.

Ambry Genetics
Classification: Benign for Primary ciliary dyskinesia. Last evaluated: 2014-12-10. Review status: criteria provided, single submitter. Criteria: Ambry Variant Classification Scheme 2023. Collection method: clinical testing. Allele origin: germline.

Laboratory for Molecular Medicine, Mass General Brigham Personalized Medicine
Classification: Benign. Last evaluated: 2013-02-21. Review status: criteria provided, single submitter. Criteria: LMM Criteria. Collection method: clinical testing. Allele origin: germline. Observed: 66 variant alleles.
Comment: Leu659Pro in exon 11 of DNAAF1: This variant is not expected to have clinical si gnificance because it has been identified in 35.1% (3017/8600) of European Ameri can chromosomes from a broad population by the NHLBI Exome Sequencing Project (dbSNP rs2288022).

Breakthrough Genomics
Classification: Benign. Review status: criteria provided, single submitter. Criteria: ACMG Guidelines, 2015. Collection method: not provided. Allele origin: germline. Inheritance: Autosomal recessive inheritance. Affected: yes.

PreventionGenetics, part of Exact Sciences
Classification: Benign. Review status: criteria provided, single submitter. Criteria: ACMG Guidelines, 2015. Collection method: clinical testing. Allele origin: germline.

NM_178452.6(DNAAF1):c.1976T>C (p.Leu659Pro)

Gene: DNAAF1 (dynein axonemal assembly factor 1; plus strand). Cytogenetic location: 16q24.1.
Variant type: single nucleotide variant.
Coding change: c.1976T>C on transcript NM_178452.6 (MANE Select); coding-DNA position 1976, T replaced by C.
Protein change: p.Leu659Pro; replaces leucine 659 with proline.
Molecular consequence: missense variant.
Genome position (GRCh38, 1-based): chr16:84,176,210, T>C. VCF-style: chr16-84176210-T-C. GRCh37 (hg19) VCF-style: chr16-84209816-T-C.
Other names: c.1268T>C, p.Leu423Pro (NM_001318756.1); short protein forms L659P, L423P.
Identifiers: ClinVar variation 163089 (VCV000163089.27), dbSNP rs2288022, ClinGen allele CA175690.